The following is an entry in ClinVar:

ClinVar aggregate classification (germline): Pathogenic/Likely pathogenic. Review status: criteria provided, multiple submitters, no conflicts (2 of 4 stars). 7 submissions from 7 submitters: Pathogenic (2); Likely pathogenic (5). Last evaluated 2025-10-06.

Conditions:
Dominant dystrophic epidermolysis bullosa with absence of skin. Also called: EPIDERMOLYSIS BULLOSA WITH CONGENITAL LOCALIZED ABSENCE OF SKIN AND DEFORMITY OF NAILS; EPIDERMOLYSIS BULLOSA DYSTROPHICA, BART TYPE. Identifiers: MedGen C0268371, MONDO:0007557, OMIM 132000.
Generalized dominant dystrophic epidermolysis bullosa (DDEB). Also called: Dominant DEB (DDEB); DYSTROPHIC EPIDERMOLYSIS BULLOSA, AUTOSOMAL DOMINANT; Epidermolysis bullosa dystrophica, autosomal dominant; DDEB, generalized; DDEB-gen. Identifiers: Orphanet 231568, MedGen C0432322, MONDO:0007549, OMIM 131750.
Recessive dystrophic epidermolysis bullosa (RDEB). Also called: Recessive DEB (RDEB); EPIDERMOLYSIS BULLOSA DYSTROPHICA, GENERALIZED SEVERE, AUTOSOMAL RECESSIVE; Epidermolysis Bullosa Distrophica Autosomal Recessive (RDEB); epidermolysis bullosa dystrophica, autosomal recessive; DYSTROPHIC EPIDERMOLYSIS BULLOSA, AUTOSOMAL RECESSIVE; EPIDERMOLYSIS BULLOSA DYSTROPHICA, HALLOPEAU-SIEMENS TYPE. Identifiers: Orphanet 79408, Orphanet 79409, MedGen C0079474, MONDO:0009179, OMIM 226600.
Nonsyndromic congenital nail disorder 8. Also called: TOENAIL DYSTROPHY, ISOLATED. Identifiers: MedGen C1843761, MONDO:0011852, OMIM 607523.
Epidermolysis bullosa pruriginosa. Also called: DEB, PRURIGINOSA; DYSTROPHIC EPIDERMOLYSIS BULLOSA PRURIGINOSA. Identifiers: Orphanet 89843, MedGen C1275114, MONDO:0011398, OMIM 604129.
Pretibial dystrophic epidermolysis bullosa. Also called: EPIDERMOLYSIS BULLOSA DYSTROPHICA, PRETIBIAL; Pretibial blistering; Pretibial epidermolysis bullosa. Identifiers: Orphanet 79410, MedGen C0432321, MONDO:0007552, OMIM 131850, HP:0012221.
Transient bullous dermolysis of the newborn (TBDN). Also called: DYSTROPHIC EPIDERMOLYSIS BULLOSA, NEONATAL; EPIDERMOLYSIS BULLOSA DYSTROPHICA, NEONATAL FORM. Identifiers: Orphanet 79411, MedGen C1851573, MONDO:0007548, OMIM 131705.
Epidermolysis bullosa dystrophica. Also called: Dystrophic epidermolysis bullosa; Dystrophic epidermolysis bullosa, Hallopeau-Siemens type (formerly). Identifiers: Orphanet 303, MedGen C0079294, MONDO:0006543.

Allele frequency attached by ClinVar (database versions not stated): TOPMed below 0.00001; ExAC 0.00001; gnomAD 0.00001; gnomAD exomes 0.00002; ESP Exome Variant Server 0.00008.
gnomAD v4.1: 9 of 1,614,074 alleles (0.00056%); highest among the groups gnomAD compares: East Asian, 0.0022%; no homozygotes.

Submissions (7):

Labcorp Genetics (formerly Invitae), Labcorp
Classification: Pathogenic. Last evaluated: 2025-10-06. Review status: criteria provided, single submitter. Criteria: Invitae Variant Classification Sherloc (09022015). Collection method: clinical testing. Allele origin: germline.
Comment: This sequence change replaces arginine, which is basic and polar, with glutamine, which is neutral and polar, at codon 2622 of the COL7A1 protein (p.Arg2622Gln). This variant is present in population databases (rs368529673, gnomAD 0.005%). This missense change has been observed in individual(s) with dystrophic epidermolysis bullosa (PMID: 16971478). ClinVar contains an entry for this variant (Variation ID: 265079). Invitae Evidence Modeling of protein sequence and biophysical properties (such as structural, functional, and spatial information, amino acid conservation, physicochemical variation, residue mobility, and thermodynamic stability) indicates that this missense variant is not expected to disrupt COL7A1 protein function with a negative predictive value of 95%. Experimental studies have shown that this missense change affects COL7A1 function (PMID: 15509587, 22352907). This variant disrupts the triple helix domain of COL7A1. Glycine residues within the Gly-Xaa-Yaa repeats of the triple helix domain are required for the structure and stability of fibrillar collagens (PMID: 7695699, 8218237, 19344236), and variants at these glycine residues in COL7A1 are more frequently observed in individuals with disease than in the general population (PMID: 22058051). However, the clinical significance of this observation remains uncertain since only a limited number of affected individuals have been described to date. For these reasons, this variant has been classified as Pathogenic.

Natera, Inc.
Classification: Likely pathogenic for Dystrophic epidermolysis bullosa. Last evaluated: 2025-03-18. Review status: criteria provided, single submitter. Criteria: Natera Variant Classification Schema (03/2026). Collection method: clinical testing. Allele origin: germline.
Comment: The c.7865G>A variant in COL7A1 is a missense variant predicted to cause substitution of arginine to glutamine at amino acid 2622. This variant is rare in the general population with a frequency below the threshold expected for the associated phenotype(s). Functional studies show that this variant may disrupt protein function (PMID: 15509587, 22352907). A different variant at the same position has been determined to be Pathogenic or Likely Pathogenic. Computational prediction algorithms indicate this variant is likely to affect gene or protein function. Given the available evidence, this variant is classified as Likely Pathogenic.

Revvity Omics, Revvity
Classification: Likely pathogenic. Last evaluated: 2024-01-31. Review status: criteria provided, single submitter. Criteria: ACMG Guidelines, 2015. Collection method: clinical testing. Allele origin: germline.

Fulgent Genetics
Classification: Likely pathogenic for Transient bullous dermolysis of the newborn; Generalized dominant dystrophic epidermolysis bullosa; Pretibial dystrophic epidermolysis bullosa; Dominant dystrophic epidermolysis bullosa with absence of skin; Recessive dystrophic epidermolysis bullosa; Epidermolysis bullosa pruriginosa; Nonsyndromic congenital nail disorder 8. Last evaluated: 2024-01-06. Review status: criteria provided, single submitter. Criteria: ACMG Guidelines, 2015. Collection method: clinical testing. Allele origin: germline.

CeGaT Center for Human Genetics Tuebingen
Classification: Likely pathogenic. Last evaluated: 2022-05-01. Review status: criteria provided, single submitter. Criteria: CeGaT Center For Human Genetics Tuebingen Variant Classification Criteria Version 2. Collection method: clinical testing. Allele origin: germline. Affected: yes. Observed: 1 variant allele.
Comment: COL7A1: PM1, PM5, PM2:Supporting, PS3:Supporting

GeneDx
Classification: Pathogenic. Last evaluated: 2015-03-30. Review status: criteria provided, single submitter. Criteria: GeneDx Variant Classification (06012015). Collection method: clinical testing. Allele origin: germline. Affected: yes.
Comment: The R2622Q variant in the COL7A1 gene has been reported previously (Varki et al 2007) and a functional analysis has been performed showing aberrant homotrimer formation and anchoring fibril assembly in the presence of the variant (Steplewski et al 2012). The R2622Q variant was not observed in a significant proportion of approximately 6500 individuals of European and African American ancestry in the NHLBI Exome Sequencing Project, indicating it is not a common benign variant in these populations. The R2622Q variant is a semi-conservative amino acid substitution, which may impact secondary protein structure as these residues differ in some properties. This substitution occurs at a position that is conserved across species. In silico analysis is inconsistent in its predictions as to whether or not the variant is damaging to the protein structure/function. Missense variants at the same residue or in nearby residues (G2620V, R2622W, G2623S) have been reported in the Human Gene Mutation Database in association with dystrophic epidermolysis bullosa (Stenson et al., 2014), supporting the functional importance of this region of the protein. We interpret R2622Q as a pathogenic variant.

Juno Genomics, Hangzhou Juno Genomics, Inc
Classification: Likely pathogenic for Recessive dystrophic epidermolysis bullosa; Generalized dominant dystrophic epidermolysis bullosa; Dominant dystrophic epidermolysis bullosa with absence of skin. Review status: criteria provided, single submitter. Criteria: ACMG Guidelines, 2015. Collection method: clinical testing. Allele origin: germline.
Comment: Absent from controls (or at extremely low frequency if recessive) in Genome Aggregation Database.;Missense variant in a gene that has a low rate of benign missense variation.;Located in a mutational hot spot and/or critical and well-established functional domain without benign variation.;Novel missense change at an amino acid residue where a different missense change determined to be pathogenic has been seen before.

Literature cited by the submitters: PubMed 16971478 (cited by Labcorp Genetics (formerly Invitae), Labcorp); PubMed 15509587 (cited by Labcorp Genetics (formerly Invitae), Labcorp and Natera, Inc.); PubMed 22352907 (cited by Labcorp Genetics (formerly Invitae), Labcorp and Natera, Inc.); PubMed 7695699 (cited by Labcorp Genetics (formerly Invitae), Labcorp); PubMed 8218237 (cited by Labcorp Genetics (formerly Invitae), Labcorp); PubMed 19344236 (cited by Labcorp Genetics (formerly Invitae), Labcorp); PubMed 22058051 (cited by Labcorp Genetics (formerly Invitae), Labcorp).

NM_000094.4(COL7A1):c.7865G>A (p.Arg2622Gln)

Gene: COL7A1 (collagen type VII alpha 1 chain; minus strand). Cytogenetic location: 3p21.31.
Variant type: single nucleotide variant.
Coding change: c.7865G>A on transcript NM_000094.4 (MANE Select); coding-DNA position 7865, G replaced by A.
Protein change: p.Arg2622Gln; replaces arginine 2622 with glutamine.
Molecular consequence: missense variant.
Genome position (GRCh38, 1-based): chr3:48,568,100, C>T on the plus strand (G>A on the coding strand, the complement: COL7A1 is on the minus strand). VCF-style: chr3-48568100-C-T. GRCh37 (hg19) VCF-style: chr3-48605533-C-T.
Other names: short protein forms R2622Q.
Identifiers: ClinVar variation 265079 (VCV000265079.35), dbSNP rs368529673, ClinGen allele CA2378283.